The following is an entry in ClinVar:

NM_001242896.3(DEPDC5):c.4520-37_4520-14del

Gene: DEPDC5 (DEP domain containing 5, GATOR1 subcomplex subunit; plus strand). Cytogenetic location: 22q12.3.
Variant type: Deletion.
Coding change: c.4520-37_4520-14del on transcript NM_001242896.3 (MANE Select); 37 bases into the intron before coding-DNA position 4520 through 14 bases into the intron before coding-DNA position 4520, 24 bases deleted (TGGTGGCTGCCACACAGGCGCTCC).
Molecular consequence: intron variant.
Genome position (GRCh38, 1-based): chr22:31,906,168-31,906,191, TGGTGGCTGCCACACAGGCGCTCC deleted; deleting any 24 consecutive bases within chr22:31,906,164-31,906,191 gives the same sequence; the c. name uses the placement nearest the transcript's 3' end. VCF-style (leftmost placement, unchanged base first): chr22-31906163-CCTCCTGGTGGCTGCCACACAGGCG-C. GRCh37 (hg19) VCF-style: chr22-32302149-CCTCCTGGTGGCTGCCACACAGGCG-C.
Other names: c.4520-37_4520-14del (NM_001364318.2); c.4493-37_4493-14del (NM_001136029.4); c.4427-37_4427-14del (NM_014662.6, NM_001369903.1); c.4454-37_4454-14del (NM_001363852.2, NM_001364320.2); c.4286-37_4286-14del (NM_001363854.2, NM_001364319.2); c.4220-37_4220-14del (NM_001242897.2); c.4436-37_4436-14del (NM_001369902.1, NM_001369901.1).
Identifiers: ClinVar variation 2041581 (VCV002041581.4), dbSNP rs2093754697, ClinGen allele CA2401715318.

ClinVar aggregate classification (germline): Uncertain significance (1 of 4 stars; one submission).

Conditions:
Familial focal epilepsy with variable foci (FPEVF). Identifiers: Orphanet 98820, MedGen C1858477, MONDO:0020310.

Submission:

Labcorp Genetics (formerly Invitae), Labcorp
Classification: Uncertain significance for Familial focal epilepsy with variable foci. Last evaluated: 2022-08-15. Review status: criteria provided, single submitter. Criteria: Invitae Variant Classification Sherloc (09022015). Collection method: clinical testing. Allele origin: germline.
Comment: This variant has not been reported in the literature in individuals affected with DEPDC5-related conditions. This variant is not present in population databases (gnomAD no frequency). This sequence change falls in intron 42 of the DEPDC5 gene. It does not directly change the encoded amino acid sequence of the DEPDC5 protein. Algorithms developed to predict the effect of sequence changes on RNA splicing suggest that this variant may disrupt the consensus splice site. In summary, the available evidence is currently insufficient to determine the role of this variant in disease. Therefore, it has been classified as a Variant of Uncertain Significance.